The following is an entry in ClinVar:

ClinVar aggregate classification (germline): Uncertain significance (1 of 4 stars; one submission).

gnomAD v4.1: 1 of 1,614,100 alleles (0.000062%); highest among the groups gnomAD compares: Non-Finnish European, 0.000085%; no homozygotes.

Submission:

Labcorp Genetics (formerly Invitae), Labcorp
Classification: Uncertain significance. Last evaluated: 2021-12-15. Review status: criteria provided, single submitter. Criteria: Invitae Variant Classification Sherloc (09022015). Collection method: clinical testing. Allele origin: germline.
Comment: In summary, the available evidence is currently insufficient to determine the role of this variant in disease. Therefore, it has been classified as a Variant of Uncertain Significance. Algorithms developed to predict the effect of missense changes on protein structure and function (SIFT, PolyPhen-2, Align-GVGD) all suggest that this variant is likely to be disruptive. This variant has not been reported in the literature in individuals affected with ADAMTSL4-related conditions. This variant is not present in population databases (gnomAD no frequency). This sequence change replaces arginine, which is basic and polar, with glycine, which is neutral and non-polar, at codon 494 of the ADAMTSL4 protein (p.Arg494Gly).

NM_019032.6(ADAMTSL4):c.1480C>G (p.Arg494Gly)

Genes: ADAMTSL4 (ADAMTS like 4; plus strand), ADAMTSL4-AS2 (ADAMTSL4 antisense RNA 2; minus strand). Cytogenetic location: 1q21.2.
Variant type: single nucleotide variant.
Coding change: c.1480C>G on transcript NM_019032.6 (MANE Select); coding-DNA position 1480, C replaced by G.
Protein change: p.Arg494Gly; replaces arginine 494 with glycine.
Molecular consequence: missense variant.
Genome position (GRCh38, 1-based): chr1:150,556,270, C>G. VCF-style: chr1-150556270-C-G. GRCh37 (hg19) VCF-style: chr1-150528746-C-G.
Other names: c.1549C>G, p.Arg517Gly (NM_001288607.2, NM_001288608.2); c.1480C>G, p.Arg494Gly (NM_001378596.1, NM_025008.5); short protein forms R494G, R517G.
Identifiers: ClinVar variation 1937711 (VCV001937711.5), dbSNP rs1471582038, ClinGen allele CA342309736.